The following is an entry in ClinVar:

ClinVar aggregate classification (germline): Benign (1 of 4 stars; one submission).

Allele frequency attached by ClinVar (database versions not stated): TOPMed 0.02892; gnomAD 0.03360 and 0.03409; 1000 Genomes Project 0.03654; 1000 Genomes Project 30x 0.03420.

Submission:

GeneDx
Classification: Benign. Last evaluated: 2018-06-14. Review status: criteria provided, single submitter. Criteria: GeneDx Variant Classification (06012015). Collection method: clinical testing. Allele origin: germline. Affected: yes.
Comment: This variant is considered likely benign or benign based on one or more of the following criteria: it is a conservative change, it occurs at a poorly conserved position in the protein, it is predicted to be benign by multiple in silico algorithms, and/or has population frequency not consistent with disease.

NM_022912.2(REEP1):c.-834A>G

Gene: REEP1 (receptor accessory protein 1; minus strand). Cytogenetic location: 2p11.2.
Variant type: single nucleotide variant.
Coding change: c.-834A>G on transcript NM_022912.2; 834 bases upstream of the start codon, A replaced by G.
Genome position (GRCh38, 1-based): chr2:86,338,344, T>C on the plus strand (A>G on the coding strand, the complement: REEP1 is on the minus strand). VCF-style: chr2-86338344-T-C. GRCh37 (hg19) VCF-style: chr2-86565467-T-C.
Identifiers: ClinVar variation 676673 (VCV000676673.3), dbSNP rs3827551, ClinGen allele CA51490829.